The following is an entry in ClinVar:

ClinVar aggregate classification (germline): Conflicting classifications of pathogenicity. Review status: criteria provided, conflicting classifications (1 of 4 stars). 2 submissions from 2 submitters: Uncertain significance (1); Likely benign (1). Last evaluated 2023-05-01.

Conditions:
Neurofibromatosis, type 2 (SWNV). Also called: BILATERAL ACOUSTIC NEUROFIBROMATOSIS; NF2-Related Schwannomatosis; SCHWANNOMATOSIS, VESTIBULAR. Identifiers: Orphanet 637, MedGen C0027832, MONDO:0007039, OMIM 101000. Disease mechanism: loss of function.

Allele frequency attached by ClinVar (database versions not stated): gnomAD exomes 0.00025; gnomAD 0.00032 and 0.00036; TOPMed 0.00039; 1000 Genomes Project 0.00040; 1000 Genomes Project 30x 0.00047.
gnomAD v4.1: 72 of 222,084 alleles (0.032%); highest among the groups gnomAD compares: Middle Eastern, 0.14%; 1 homozygote.

Submissions (2):

CeGaT Center for Human Genetics Tuebingen
Classification: Likely benign. Last evaluated: 2023-05-01. Review status: criteria provided, single submitter. Criteria: CeGaT Center For Human Genetics Tuebingen Variant Classification Criteria Version 2. Collection method: clinical testing. Allele origin: germline. Affected: yes. Observed: 3 variant alleles.
Comment: NF2: BS1

Illumina Laboratory Services, Illumina
Classification: Uncertain significance for Neurofibromatosis, type 2. Last evaluated: 2018-01-12. Review status: criteria provided, single submitter. Criteria: ICSL Variant Classification Criteria 13 December 2019. Collection method: clinical testing. Allele origin: germline.

NM_000268.4(NF2):c.*3133A>G

Gene: NF2 (NF2, moesin-ezrin-radixin like (MERLIN) tumor suppressor; plus strand). Cytogenetic location: 22q12.2.
Variant type: single nucleotide variant.
Coding change: c.*3133A>G on transcript NM_000268.4 (MANE Select); 3133 bases downstream of the stop codon, A replaced by G.
Molecular consequence: 3 prime UTR variant. On other transcripts: non-coding transcript variant (1).
Genome position (GRCh38, 1-based): chr22:29,697,935, A>G. VCF-style: chr22-29697935-A-G. GRCh37 (hg19) VCF-style: chr22-30093924-A-G.
Other names: c.*3193A>G (NM_016418.5, NM_181828.3, NM_181829.3 and 1 more transcripts); c.*3208A>G (NM_181832.3); c.*3133A>G (NM_181833.3).
Identifiers: ClinVar variation 902107 (VCV000902107.35), dbSNP rs527795536, ClinGen allele CA323130392.